The following is an entry in ClinVar:

NM_002470.4(MYH3):c.2466C>G (p.Phe822Leu)

Gene: MYH3 (myosin heavy chain 3; minus strand). Cytogenetic location: 17p13.1.
Variant type: single nucleotide variant.
Coding change: c.2466C>G on transcript NM_002470.4 (MANE Select); coding-DNA position 2466, C replaced by G.
Protein change: p.Phe822Leu; replaces phenylalanine 822 with leucine.
Molecular consequence: missense variant.
Genome position (GRCh38, 1-based): chr17:10,640,212, G>C on the plus strand (C>G on the coding strand, the complement: MYH3 is on the minus strand). VCF-style: chr17-10640212-G-C. GRCh37 (hg19) VCF-style: chr17-10543529-G-C.
Other names: short protein forms F822L.
Identifiers: ClinVar variation 4540200 (VCV004540200.1).

ClinVar aggregate classification (germline): Uncertain significance (1 of 4 stars; one submission).

Submission:

GeneDx
Classification: Uncertain significance. Last evaluated: 2025-06-26. Review status: criteria provided, single submitter. Criteria: GeneDx Variant Classification Process June 2021. Collection method: clinical testing. Allele origin: germline. Affected: yes.
Comment: Not observed at significant frequency in large population cohorts (gnomAD); In silico analysis supports that this missense variant has a deleterious effect on protein structure/function; Has not been previously published as pathogenic or benign to our knowledge